The following is an entry in ClinVar:

ClinVar aggregate classification (germline): Uncertain significance (1 of 4 stars; one submission).

gnomAD v4.1: 1 of 1,614,052 alleles (0.000062%); no homozygotes.

Submission:

Labcorp Genetics (formerly Invitae), Labcorp
Classification: Uncertain significance. Last evaluated: 2024-05-23. Review status: criteria provided, single submitter. Criteria: Invitae Variant Classification Sherloc (09022015). Collection method: clinical testing. Allele origin: germline.
Comment: This sequence change replaces tryptophan, which is neutral and slightly polar, with arginine, which is basic and polar, at codon 583 of the ASXL1 protein (p.Trp583Arg). This variant is not present in population databases (gnomAD no frequency). This variant has not been reported in the literature in individuals affected with ASXL1-related conditions. An algorithm developed to predict the effect of missense changes on protein structure and function (PolyPhen-2) suggests that this variant is likely to be disruptive. In summary, the available evidence is currently insufficient to determine the role of this variant in disease. Therefore, it has been classified as a Variant of Uncertain Significance.

NM_015338.6(ASXL1):c.1747T>C (p.Trp583Arg)

Gene: ASXL1 (ASXL transcriptional regulator 1; plus strand). Cytogenetic location: 20q11.21.
Variant type: single nucleotide variant.
Coding change: c.1747T>C on transcript NM_015338.6 (MANE Select); coding-DNA position 1747, T replaced by C.
Protein change: p.Trp583Arg; replaces tryptophan 583 with arginine.
Molecular consequence: missense variant.
Genome position (GRCh38, 1-based): chr20:32,434,459, T>C. VCF-style: chr20-32434459-T-C. GRCh37 (hg19) VCF-style: chr20-31022262-T-C.
Other names: c.1564T>C, p.Trp522Arg (NM_001363734.1); short protein forms W583R, W522R.
Identifiers: ClinVar variation 3687181 (VCV003687181.2).